The following is an entry in ClinVar:

ClinVar aggregate classification (germline): Uncertain significance (1 of 4 stars; one submission).

Conditions:
Intellectual disability-severe speech delay-mild dysmorphism syndrome (IDDLA). Also called: Intellectual developmental disorder with language impairment AND with or without autistic features; Mental retardation with language impairment and autistic features; FOXP1 Syndrome. Identifiers: Orphanet 391372, MedGen C4013764, MONDO:0013352, OMIM 613670.

gnomAD v4.1: 1 of 985,708 alleles (0.0001%); highest among the groups gnomAD compares: Non-Finnish European, 0.00012%; no homozygotes.

Submission:

Department of Paediatrics at Addenbrookes, Cambridge University Hospitals NHS Foundation Trust (UK)
Classification: Uncertain significance for Intellectual disability-severe speech delay-mild dysmorphism syndrome. Last evaluated: 2025-05-27. Review status: criteria provided, single submitter. Criteria: Durkie Uk Practice Guidelines For Variant Classification V12 2024 (1). Collection method: clinical testing. Allele origin: unknown.
Comment: PM2_Moderate; PP3_Supporting

NM_001349338.3(FOXP1):c.-438A>G

Gene: FOXP1 (forkhead box P1; minus strand). Cytogenetic location: 3p13.
Variant type: single nucleotide variant.
Coding change: c.-438A>G on transcript NM_001349338.3 (MANE Select); 438 bases upstream of the start codon, A replaced by G.
Molecular consequence: 5 prime UTR variant. On other transcripts: non-coding transcript variant (2).
Genome position (GRCh38, 1-based): chr3:71,581,689, T>C on the plus strand (A>G on the coding strand, the complement: FOXP1 is on the minus strand). VCF-style: chr3-71581689-T-C. GRCh37 (hg19) VCF-style: chr3-71630840-T-C.
Other names: c.-438A>G (NM_001012505.2, NM_001244808.3, NM_001244810.2 and 2 more transcripts); c.-343A>G (NM_001349340.3).
Identifiers: ClinVar variation 4279544 (VCV004279544.1).
Genomic context (GRCh38, chr3:71,581,689, plus strand): 5'-CGCTGCCGCTGCCCCCGGCCCGCTCGCTCGCTCGCCGCGCGCTCTCTTCCTCTTACAAAC[T>C]TTCGGGTTCTGCAGTCGACAAGAAACCGGGGCGACCCTCAGCAAGTCTTCCCCGTGCAGG-3'